The following is an entry in ClinVar:

NM_080473.5(GATA5):c.50C>A (p.Ala17Asp)

Gene: GATA5 (GATA binding protein 5; minus strand). Cytogenetic location: 20q13.33.
Variant type: single nucleotide variant.
Coding change: c.50C>A on transcript NM_080473.5 (MANE Select); coding-DNA position 50, C replaced by A.
Protein change: p.Ala17Asp; replaces alanine 17 with aspartic acid.
Molecular consequence: missense variant.
Genome position (GRCh38, 1-based): chr20:62,475,472, G>T on the plus strand (C>A on the coding strand, the complement: GATA5 is on the minus strand). VCF-style: chr20-62475472-G-T. GRCh37 (hg19) VCF-style: chr20-61050528-G-T.
Other names: short protein forms A17D.
Identifiers: ClinVar variation 2698620 (VCV002698620.4), dbSNP rs781990084, ClinGen allele CA9946338.

ClinVar aggregate classification (germline): Uncertain significance. Review status: criteria provided, multiple submitters, no conflicts (2 of 4 stars). 2 submissions from 2 submitters: Uncertain significance (2). Last evaluated 2026-01-25.

Allele frequency attached by ClinVar (database versions not stated): gnomAD 0.00001; TOPMed 0.00001.
gnomAD v4.1: 155 of 1,333,022 alleles (0.012%); highest among the groups gnomAD compares: Non-Finnish European, 0.015%; no homozygotes.

Submissions (2):

Labcorp Genetics (formerly Invitae), Labcorp
Classification: Uncertain significance. Last evaluated: 2026-01-25. Review status: criteria provided, single submitter. Criteria: Invitae Variant Classification Sherloc (09022015). Collection method: clinical testing. Allele origin: germline.
Comment: This sequence change replaces alanine, which is neutral and non-polar, with aspartic acid, which is acidic and polar, at codon 17 of the GATA5 protein (p.Ala17Asp). This variant is not present in population databases (gnomAD no frequency). This variant has not been reported in the literature in individuals affected with GATA5-related conditions. ClinVar contains an entry for this variant (Variation ID: 2698620). An algorithm developed to predict the effect of missense changes on protein structure and function (PolyPhen-2) suggests that this variant is likely to be disruptive. In summary, the available evidence is currently insufficient to determine the role of this variant in disease. Therefore, it has been classified as a Variant of Uncertain Significance.

Blueprint Genetics
Classification: Uncertain significance. Last evaluated: 2024-08-15. Review status: criteria provided, single submitter. Criteria: ACMG Guidelines, 2015. Collection method: clinical testing. Allele origin: germline.